The following is an entry in ClinVar:

ClinVar aggregate classification (germline): Uncertain significance (1 of 4 stars; one submission).

Submission:

Labcorp Genetics (formerly Invitae), Labcorp
Classification: Uncertain significance. Last evaluated: 2022-06-19. Review status: criteria provided, single submitter. Criteria: Invitae Variant Classification Sherloc (09022015). Collection method: clinical testing. Allele origin: germline.
Comment: In summary, the available evidence is currently insufficient to determine the role of this variant in disease. Therefore, it has been classified as a Variant of Uncertain Significance. Algorithms developed to predict the effect of sequence changes on RNA splicing suggest that this variant may create or strengthen a splice site. Algorithms developed to predict the effect of missense changes on protein structure and function (SIFT, PolyPhen-2, Align-GVGD) all suggest that this variant is likely to be tolerated. This variant has not been reported in the literature in individuals affected with ATRN-related conditions. This variant is not present in population databases (gnomAD no frequency). This sequence change replaces methionine, which is neutral and non-polar, with valine, which is neutral and non-polar, at codon 543 of the ATRN protein (p.Met543Val).

NM_139321.3(ATRN):c.1627A>G (p.Met543Val)

Gene: ATRN (attractin; plus strand). Cytogenetic location: 20p13.
Variant type: single nucleotide variant.
Coding change: c.1627A>G on transcript NM_139321.3 (MANE Select); coding-DNA position 1627, A replaced by G.
Protein change: p.Met543Val; replaces methionine 543 with valine.
Molecular consequence: missense variant.
Genome position (GRCh38, 1-based): chr20:3,562,455, A>G. VCF-style: chr20-3562455-A-G. GRCh37 (hg19) VCF-style: chr20-3543102-A-G.
Other names: c.1279A>G, p.Met427Val (NM_001207047.3); c.1627A>G, p.Met543Val (NM_001323332.2, NM_139322.4); short protein forms M427V, M543V.
Identifiers: ClinVar variation 1995637 (VCV001995637.4), dbSNP rs2514527167, ClinGen allele CA408255076.
Genomic context (GRCh38, chr20:3,562,455, plus strand): 5'-TTCAGTGCCAATAAGTACCGGCTTGCAGATGATCTCTACCGATATGATGTGGATACCCAG[A>G]TGTGGTGGGTACTTTTTCTTGAGCTTTCACTTTAAGGTGTAAATTCTGTAGAGGCAATTG-3'
Protein context (NP_647537.1, residues 533-553): DLYRYDVDTQ[Met543Val]WTILKDSRFF